The following is an entry in ClinVar:

NM_000548.5(TSC2):c.4743C>T (p.Leu1581=)

Gene: TSC2 (TSC complex subunit 2; plus strand). Cytogenetic location: 16p13.3.
Variant type: single nucleotide variant.
Coding change: c.4743C>T on transcript NM_000548.5 (MANE Select); coding-DNA position 4743, C replaced by T.
Protein change: p.Leu1581=; no amino-acid change (leucine 1581 retained).
Molecular consequence: synonymous variant. On other transcripts: non-coding transcript variant (5).
Genome position (GRCh38, 1-based): chr16:2,086,273, C>T. VCF-style: chr16-2086273-C-T. GRCh37 (hg19) VCF-style: chr16-2136274-C-T.
Other names: c.4542C>T, p.Leu1514= (NM_001077183.3); c.4674C>T, p.Leu1558= (NM_001114382.3); c.4434C>T, p.Leu1478= (NM_001318827.2); c.4398C>T, p.Leu1466= (NM_001318829.2); c.4011C>T, p.Leu1337= (NM_001318831.2); c.4575C>T, p.Leu1525= (NM_001318832.2); c.4545C>T, p.Leu1515= (NM_001363528.2); c.4611C>T, p.Leu1537= (NM_001370404.1); and 26 more.
Identifiers: ClinVar variation 1742783 (VCV001742783.8), dbSNP rs2544373777, ClinGen allele CA493043544.

ClinVar aggregate classification (germline): Benign/Likely benign. Review status: criteria provided, multiple submitters, no conflicts (2 of 4 stars). 3 submissions from 3 submitters: Benign (1); Likely benign (2). Last evaluated 2025-06-04.

Conditions:
Hereditary cancer-predisposing syndrome. Also called: Neoplastic Syndromes, Hereditary; Tumor predisposition; Hereditary Cancer Syndrome; Hereditary neoplastic syndrome. Identifiers: Orphanet 140162, MedGen C0027672, MeSH D009386, MONDO:0015356.
Tuberous sclerosis 2 (TSC2). Identifiers: Orphanet 805, MedGen C1860707, MONDO:0013199, OMIM 613254.

Allele frequency attached by ClinVar (database versions not stated): gnomAD exomes below 0.00001.
gnomAD v4.1: 1 of 1,612,884 alleles (0.000062%); highest among the groups gnomAD compares: Non-Finnish European, 0.000085%; no homozygotes.

Submissions (3):

Myriad Genetics, Inc.
Classification: Benign for Tuberous sclerosis 2. Last evaluated: 2025-06-04. Review status: criteria provided, single submitter. Criteria: Myriad Autosomal Dominant, Autosomal Recessive and X-Linked Classification Criteria (2023). Collection method: clinical testing. Allele origin: unknown.
Comment: This variant is considered benign. This variant is a silent/synonymous amino acid change and it is not expected to impact splicing.

Labcorp Genetics (formerly Invitae), Labcorp
Classification: Likely benign for Tuberous sclerosis 2. Last evaluated: 2023-08-16. Review status: criteria provided, single submitter. Criteria: Invitae Variant Classification Sherloc (09022015). Collection method: clinical testing. Allele origin: germline.

Ambry Genetics
Classification: Likely benign for Hereditary cancer-predisposing syndrome. Last evaluated: 2021-08-13. Review status: criteria provided, single submitter. Criteria: Ambry Variant Classification Scheme 2023. Collection method: clinical testing. Allele origin: germline.